The following is an entry in ClinVar:

NM_003072.5(SMARCA4):c.2616+54G>A

Gene: SMARCA4 (SWI/SNF related BAF chromatin remodeling complex subunit ATPase 4; plus strand). Cytogenetic location: 19p13.2.
Variant type: single nucleotide variant.
Coding change: c.2616+54G>A on transcript NM_003072.5 (MANE Select); 54 bases into the intron after coding-DNA position 2616, G replaced by A.
Molecular consequence: intron variant.
Genome position (GRCh38, 1-based): chr19:11,019,755, G>A. VCF-style: chr19-11019755-G-A. GRCh37 (hg19) VCF-style: chr19-11130431-G-A.
Other names: c.2616+54G>A (NM_001128844.3, NM_001128849.3, NM_001128847.4 and 5 more transcripts).
Identifiers: ClinVar variation 676540 (VCV000676540.2), dbSNP rs45565139, ClinGen allele CA305272787.

ClinVar aggregate classification (germline): Likely benign. Review status: criteria provided, multiple submitters, no conflicts (2 of 4 stars). 2 submissions from 2 submitters: Likely benign (2). Last evaluated 2018-06-18.

Allele frequency attached by ClinVar (database versions not stated): 1000 Genomes Project 0.02616; 1000 Genomes Project 30x 0.02701; TOPMed 0.02757; gnomAD 0.02829 and 0.02850; gnomAD exomes 0.02920.
gnomAD v4.1: 36,713 of 1,256,236 alleles (2.9%); highest among the groups gnomAD compares: Middle Eastern, 9%; 703 homozygotes.

Submissions (2):

GeneDx
Classification: Likely benign. Last evaluated: 2018-06-18. Review status: criteria provided, single submitter. Criteria: GeneDx Variant Classification (06012015). Collection method: clinical testing. Allele origin: germline. Affected: yes.
Comment: This variant is considered likely benign or benign based on one or more of the following criteria: it is a conservative change, it occurs at a poorly conserved position in the protein, it is predicted to be benign by multiple in silico algorithms, and/or has population frequency not consistent with disease.

Breakthrough Genomics
Classification: Likely benign. Review status: criteria provided, single submitter. Criteria: ACMG Guidelines, 2015. Collection method: not provided. Allele origin: germline. Inheritance: Autosomal dominant inheritance. Affected: yes.